The following is an entry in ClinVar:

ClinVar aggregate classification (germline): Uncertain significance (1 of 4 stars; one submission).

Conditions:
Inborn genetic diseases. Identifiers: MedGen C0950123, MeSH D030342.

Allele frequency attached by ClinVar (database versions not stated): TOPMed 0.00011; gnomAD 0.00015.
gnomAD v4.1: 48 of 1,560,444 alleles (0.0031%); highest among the groups gnomAD compares: African/African-American, 0.049%; no homozygotes.

Submission:

Ambry Genetics
Classification: Uncertain significance for Inborn genetic diseases. Last evaluated: 2021-07-20. Review status: criteria provided, single submitter. Criteria: Ambry Variant Classification Scheme 2023. Collection method: clinical testing. Allele origin: germline.
Comment: Unlikely to be causative of hereditary diffuse leukoencephalopathy with spheroids (AD) Based on insufficient or conflicting evidence, the clinical significance of this alteration remains unclear.

NM_001288705.3(CSF1R):c.1178C>T (p.Thr393Met)

Gene: CSF1R (colony stimulating factor 1 receptor; minus strand). Cytogenetic location: 5q32.
Variant type: single nucleotide variant.
Coding change: c.1178C>T on transcript NM_001288705.3 (MANE Select); coding-DNA position 1178, C replaced by T.
Protein change: p.Thr393Met; replaces threonine 393 with methionine.
Molecular consequence: missense variant. On other transcripts: non-coding transcript variant (2).
Genome position (GRCh38, 1-based): chr5:150,070,476, G>A on the plus strand (C>T on the coding strand, the complement: CSF1R is on the minus strand). VCF-style: chr5-150070476-G-A. GRCh37 (hg19) VCF-style: chr5-149450039-G-A.
Other names: c.1178C>T, p.Thr393Met (NM_001349736.2, NM_001375320.1, NM_005211.4); c.734C>T, p.Thr245Met (NM_001375321.1); short protein forms T393M, T245M.
Identifiers: ClinVar variation 2359236 (VCV002359236.2), dbSNP rs775629759, ClinGen allele CA3506935.
Genomic context (GRCh38, chr5:150,070,476, plus strand): 5'-AGGGCCTCCGCCCCAGGTGGCGCTCGGCCCCAGCACTCACATCGAAGGGTGAGCTCAAAC[G>A]TCAGAGCTCTCCAGCCTCCTGGGTTTCTGGCCAGGAAGGAGTAGCGGCCAGCCTCAGAGG-3'
Protein context (NP_001275634.1, residues 383-403): ARNPGGWRAL[Thr393Met]FELTLRYPPE